The following is an entry in ClinVar:

ClinVar aggregate classification (germline): Uncertain significance. Review status: criteria provided, multiple submitters, no conflicts (2 of 4 stars). 5 submissions from 5 submitters: Uncertain significance (5). Last evaluated 2026-08-10.

Conditions:
Familial thoracic aortic aneurysm and aortic dissection (TAAD). Also called: Thoracic aortic aneurysms and dissections. Identifiers: Orphanet 91387, MedGen C4707243, MONDO:0019625.
Arterial tortuosity syndrome (ATORS). Identifiers: Orphanet 3342, MedGen C1859726, MONDO:0008818, OMIM 208050.

Allele frequency attached by ClinVar (database versions not stated): gnomAD 0.00003 and 0.00002; gnomAD exomes 0.00006 and 0.00002; ExAC 0.00006; ESP Exome Variant Server 0.00015; TOPMed 0.00003.
gnomAD v4.1: 41 of 1,613,900 alleles (0.0025%); highest among the groups gnomAD compares: Admixed American, 0.027%; no homozygotes.

Submissions (5):

GeneDx
Classification: Uncertain significance. Last evaluated: 2026-08-10. Review status: criteria provided, single submitter. Criteria: GeneDx Variant Classification Process June 2021. Collection method: clinical testing. Allele origin: germline.
Comment: In silico analysis supports that this missense variant has a deleterious effect on protein structure/function; Has not been previously published as pathogenic or benign to our knowledge

Women's Health and Genetics/Laboratory Corporation of America, LabCorp
Classification: Uncertain significance. Last evaluated: 2026-06-22. Review status: criteria provided, single submitter. Criteria: LabCorp Variant Classification Summary - May 2015. Collection method: clinical testing. Allele origin: germline.

Ambry Genetics
Classification: Uncertain significance for Familial thoracic aortic aneurysm and aortic dissection. Last evaluated: 2025-10-07. Review status: criteria provided, single submitter. Criteria: Ambry Variant Classification Scheme 2023. Collection method: clinical testing. Allele origin: germline.

Labcorp Genetics (formerly Invitae), Labcorp
Classification: Uncertain significance for Arterial tortuosity syndrome. Last evaluated: 2022-07-02. Review status: criteria provided, single submitter. Criteria: Invitae Variant Classification Sherloc (09022015). Collection method: clinical testing. Allele origin: germline.
Comment: This sequence change replaces tyrosine, which is neutral and polar, with cysteine, which is neutral and slightly polar, at codon 139 of the SLC2A10 protein (p.Tyr139Cys). This variant is present in population databases (rs139858464, gnomAD 0.04%). This variant has not been reported in the literature in individuals affected with SLC2A10-related conditions. ClinVar contains an entry for this variant (Variation ID: 213745). Advanced modeling of protein sequence and biophysical properties (such as structural, functional, and spatial information, amino acid conservation, physicochemical variation, residue mobility, and thermodynamic stability) performed at Invitae indicates that this missense variant is expected to disrupt SLC2A10 protein function. Algorithms developed to predict the effect of sequence changes on RNA splicing suggest that this variant may create or strengthen a splice site. In summary, the available evidence is currently insufficient to determine the role of this variant in disease. Therefore, it has been classified as a Variant of Uncertain Significance.

Breakthrough Genomics
Classification: Uncertain significance. Review status: criteria provided, single submitter. Criteria: ACMG Guidelines, 2015. Collection method: not provided. Allele origin: germline. Inheritance: Autosomal dominant inheritance. Affected: yes.

NM_030777.4(SLC2A10):c.416A>G (p.Tyr139Cys)

Gene: SLC2A10 (solute carrier family 2 member 10; plus strand). Cytogenetic location: 20q13.12.
Variant type: single nucleotide variant.
Coding change: c.416A>G on transcript NM_030777.4 (MANE Select); coding-DNA position 416, A replaced by G.
Protein change: p.Tyr139Cys; replaces tyrosine 139 with cysteine.
Molecular consequence: missense variant.
Genome position (GRCh38, 1-based): chr20:46,725,452, A>G. VCF-style: chr20-46725452-A-G. GRCh37 (hg19) VCF-style: chr20-45354091-A-G.
Other names: p.Y139C:TAT>TGT; short protein forms Y139C.
Identifiers: ClinVar variation 213745 (VCV000213745.11), dbSNP rs139858464, ClinGen allele CA325089.